The following is an entry in ClinVar:

NM_000245.4(MET):c.133A>G (p.Asn45Asp)

Gene: MET (MET proto-oncogene, receptor tyrosine kinase; plus strand). Cytogenetic location: 7q31.2.
Variant type: single nucleotide variant.
Coding change: c.133A>G on transcript NM_000245.4 (MANE Select); coding-DNA position 133, A replaced by G.
Protein change: p.Asn45Asp; replaces asparagine 45 with aspartic acid.
Molecular consequence: missense variant. On other transcripts: intron variant (1).
Genome position (GRCh38, 1-based): chr7:116,699,217, A>G. VCF-style: chr7-116699217-A-G. GRCh37 (hg19) VCF-style: chr7-116339271-A-G.
Other names: c.133A>G, p.Asn45Asp (NM_001127500.3, NM_001324401.3); c.-91+26640A>G (NM_001324402.2); short protein forms N45D.
Identifiers: ClinVar variation 2746619 (VCV002746619.3), dbSNP rs2116581127, ClinGen allele CA368968416.

ClinVar aggregate classification (germline): Uncertain significance (1 of 4 stars; one submission).

Conditions:
Renal cell carcinoma. Identifiers: Orphanet 217071, MedGen C0007134, MeSH D002292, MONDO:0005086, HP:0005584.

Submission:

Labcorp Genetics (formerly Invitae), Labcorp
Classification: Uncertain significance for Renal cell carcinoma. Last evaluated: 2024-05-06. Review status: criteria provided, single submitter. Criteria: Invitae Variant Classification Sherloc (09022015). Collection method: clinical testing. Allele origin: germline.
Comment: This sequence change replaces asparagine, which is neutral and polar, with aspartic acid, which is acidic and polar, at codon 45 of the MET protein (p.Asn45Asp). This variant is not present in population databases (gnomAD no frequency). This variant has not been reported in the literature in individuals affected with MET-related conditions. Advanced modeling of protein sequence and biophysical properties (such as structural, functional, and spatial information, amino acid conservation, physicochemical variation, residue mobility, and thermodynamic stability) performed at Invitae indicates that this missense variant is not expected to disrupt MET protein function with a negative predictive value of 80%. In summary, the available evidence is currently insufficient to determine the role of this variant in disease. Therefore, it has been classified as a Variant of Uncertain Significance.